The following is an entry in ClinVar:

ClinVar aggregate classification (germline): Pathogenic/Likely pathogenic. Review status: criteria provided, multiple submitters, no conflicts (2 of 4 stars). 8 submissions from 7 submitters: Pathogenic (2); Likely pathogenic (4). 2 of the submissions do not count toward it. Last evaluated 2026-03-20.

Conditions:
Retinitis pigmentosa 12 (RP12). Also called: RP WITH OR WITHOUT PPRPE; RP WITH OR WITHOUT PRESERVED PARAARTERIOLE RETINAL PIGMENT EPITHELIUM; RETINITIS PIGMENTOSA WITH OR WITHOUT PARAARTERIOLAR PRESERVATION OF RETINAL PIGMENT EPITHELIUM. Identifiers: Orphanet 791, MedGen C1838647, MONDO:0010818, OMIM 600105.
Leber congenital amaurosis 8 (LCA8). Identifiers: Orphanet 65, MedGen C3151202, MONDO:0013453, OMIM 613835.
Retinal dystrophy. Also called: Inherited retinal dystrophy. Identifiers: Orphanet 71862, MedGen C0854723, MeSH D058499, MONDO:0019118, HP:0000556.
Leber congenital amaurosis (LCA). Also called: Leber's amaurosis. Identifiers: Orphanet 65, MedGen C0339527, MeSH D057130, MONDO:0018998.

Allele frequency attached by ClinVar (database versions not stated): gnomAD exomes below 0.00001 and 0.00001.
gnomAD v4.1: 8 of 1,614,040 alleles (0.0005%); highest among the groups gnomAD compares: Non-Finnish European, 0.00068%; no homozygotes.

Submissions (8):

Women's Health and Genetics/Laboratory Corporation of America, LabCorp
Classification: Pathogenic for Retinal dystrophy. Last evaluated: 2026-03-20. Review status: criteria provided, single submitter. Criteria: LabCorp Variant Classification Summary - May 2015. Collection method: clinical testing. Allele origin: germline.
Comment: Variant summary: CRB1 c.2222T>C (p.Met741Thr) results in a non-conservative amino acid change in the encoded protein sequence. Algorithms developed to predict the effect of missense changes on protein structure and function all suggest that this variant is likely to be disruptive. The variant allele was found at a frequency of 4e-06 in 250962 control chromosomes. c.2222T>C has been observed in multiple homozygous or compound heterozygous individuals affected with Leber congenital amaurosis, retinitis pigmentosa, early-onset retinal dystrophy, or clinical features of these disroders (e.g. Bujakowska_2012, Hanein_2004, Henderson_2011, Wang_2020, Zhu_2021). These data indicate that the variant is very likely to be associated with disease. To our knowledge, no experimental evidence demonstrating an impact on protein function has been reported. The following publications have been ascertained in the context of this evaluation (PMID: 22065545, 15024725, 20956273, 33342761, 33970760). ClinVar contains an entry for this variant (Variation ID: 99876). Based on the evidence outlined above, the variant was classified as pathogenic.

Natera, Inc.
Classification: Likely pathogenic for Leber congenital amaurosis. Last evaluated: 2025-07-23. Review status: criteria provided, single submitter. Criteria: Natera Variant Classification Schema (03/2026). Collection method: clinical testing. Allele origin: germline.
Comment: The c.2222T>C variant in CRB1 is a missense variant predicted to cause substitution of methionine to threonine at amino acid 741. This variant is rare in the general population with a frequency below the threshold expected for the associated phenotype(s). This variant has been observed in one or more individuals affected with the associated recessive disease, as either homozygous or compound heterozygous with a second variant (PMID: 15024725, 18055820, 31630094, 33970760, 22065545). Given the available evidence, this variant is classified as Likely Pathogenic.

Labcorp Genetics (formerly Invitae), Labcorp
Classification: Pathogenic for Leber congenital amaurosis 8; Retinitis pigmentosa 12. Last evaluated: 2023-08-30. Review status: criteria provided, single submitter. Criteria: Invitae Variant Classification Sherloc (09022015). Collection method: clinical testing. Allele origin: germline.
Comment: For these reasons, this variant has been classified as Pathogenic. Advanced modeling of protein sequence and biophysical properties (such as structural, functional, and spatial information, amino acid conservation, physicochemical variation, residue mobility, and thermodynamic stability) performed at Invitae indicates that this missense variant is expected to disrupt CRB1 protein function. ClinVar contains an entry for this variant (Variation ID: 99876). This missense change has been observed in individuals with CRB1-related conditions (PMID: 15024725, 20956273, 22065545). It has also been observed to segregate with disease in related individuals. This variant is present in population databases (rs62636267, gnomAD 0.0009%). This sequence change replaces methionine, which is neutral and non-polar, with threonine, which is neutral and polar, at codon 741 of the CRB1 protein (p.Met741Thr).

Genome-Nilou Lab
Classification: Likely pathogenic for Leber congenital amaurosis 8. Last evaluated: 2023-04-11. Review status: criteria provided, single submitter. Criteria: ACMG Guidelines, 2015. Collection method: clinical testing. Allele origin: germline. Affected: no.

Genome-Nilou Lab
Classification: Likely pathogenic for Retinitis pigmentosa 12. Last evaluated: 2023-04-11. Review status: criteria provided, single submitter. Criteria: ACMG Guidelines, 2015. Collection method: clinical testing. Allele origin: germline. Affected: no.

Eurofins Ntd Llc (ga)
Classification: Likely pathogenic. Last evaluated: 2016-02-10. Review status: criteria provided, single submitter. Criteria: EGL Classification Definitions 2015. Collection method: clinical testing. Allele origin: germline. Observed: 2 variant alleles, 2 heterozygotes.

Laboratory of Genetics in Ophthalmology, Institut Imagine
Classification: Likely pathogenic for Leber congenital amaurosis 8. Review status: no assertion criteria provided. Collection method: research. Allele origin: inherited. Affected: yes. Observed: 1 variant allele. Not counted in ClinVar's aggregate classification.

Retina International
No classification provided. Review status: no classification provided. Collection method: not provided. Allele origin: not provided. Not counted in ClinVar's aggregate classification.

Literature cited by the submitters: PubMed 33970760 (cited by Women's Health and Genetics/Laboratory Corporation of America, LabCorp and Natera, Inc.); PubMed 33342761 (cited by Women's Health and Genetics/Laboratory Corporation of America, LabCorp); PubMed 20956273 (cited by Women's Health and Genetics/Laboratory Corporation of America, LabCorp and Labcorp Genetics (formerly Invitae), Labcorp); PubMed 15024725 (cited by 4 submitters); PubMed 22065545 (cited by 3 submitters); PubMed 18055820 (cited by Natera, Inc.); PubMed 31630094 (cited by Natera, Inc.).

NM_201253.3(CRB1):c.2222T>C (p.Met741Thr)

Gene: CRB1 (crumbs cell polarity complex component 1; plus strand). Cytogenetic location: 1q31.3.
Variant type: single nucleotide variant.
Coding change: c.2222T>C on transcript NM_201253.3 (MANE Select); coding-DNA position 2222, T replaced by C.
Protein change: p.Met741Thr; replaces methionine 741 with threonine.
Molecular consequence: missense variant. On other transcripts: non-coding transcript variant (2), intron variant (1).
Genome position (GRCh38, 1-based): chr1:197,427,547, T>C. VCF-style: chr1-197427547-T-C. GRCh37 (hg19) VCF-style: chr1-197396677-T-C.
Other names: c.1886T>C, p.Met629Thr (NM_001193640.2); c.2015T>C, p.Met672Thr (NM_001257965.2); c.2128+5591T>C (NM_001257966.2); short protein forms M741T, M672T, M629T.
Identifiers: ClinVar variation 99876 (VCV000099876.17), dbSNP rs62636267, ClinGen allele CA228002.